The following is an entry in ClinVar:

NM_001166114.2(PNPLA6):c.38C>A (p.Ser13Ter)

Gene: PNPLA6 (patatin like domain 6, lysophospholipase; plus strand). Cytogenetic location: 19p13.2.
Variant type: single nucleotide variant.
Coding change: c.38C>A on transcript NM_001166114.2 (MANE Select); coding-DNA position 38, C replaced by A.
Protein change: p.Ser13Ter; replaces serine 13 with a stop codon.
Molecular consequence: nonsense. On other transcripts: intron variant (3).
Genome position (GRCh38, 1-based): chr19:7,535,826, C>A. VCF-style: chr19-7535826-C-A. GRCh37 (hg19) VCF-style: chr19-7600712-C-A.
Other names: c.65C>A, p.Ser22Ter (NM_001166111.2); c.28-107C>A (NM_006702.5, NM_001166112.2, NM_001166113.1); short protein forms S22*, S13*.
Identifiers: ClinVar variation 504234 (VCV000504234.3), dbSNP rs771019262, ClinGen allele CA9139327.
Genomic context (GRCh38, chr19:7,535,826, plus strand): 5'-AGCAGCACTGGCCCATTCTGCAGATGGGGACATCGAGTCACGGGCTGGCTACGAACTCCT[C>A]GGGGGCGAAGGTGGCGGAGAGGGATGGGTTCCAGGACGTCCTGGCGCCCGGGGAAGGCTC-3'

ClinVar aggregate classification (germline): Uncertain significance. Review status: criteria provided, multiple submitters, no conflicts (2 of 4 stars). 2 submissions from 2 submitters: Uncertain significance (2). Last evaluated 2023-12-28.

Allele frequency attached by ClinVar (database versions not stated): ExAC below 0.00001; gnomAD exomes 0.00002; TOPMed 0.00005; gnomAD 0.00007.
gnomAD v4.1: 155 of 1,536,846 alleles (0.01%); highest among the groups gnomAD compares: Non-Finnish European, 0.013%; no homozygotes.

Submissions (2):

Blueprint Genetics
Classification: Uncertain significance. Last evaluated: 2023-12-28. Review status: criteria provided, single submitter. Criteria: ACMG Guidelines, 2015. Collection method: clinical testing. Allele origin: germline.

GeneDx
Classification: Uncertain significance. Last evaluated: 2018-02-13. Review status: criteria provided, single submitter. Criteria: GeneDx Variant Classification (06012015). Collection method: clinical testing. Allele origin: germline. Affected: yes.
Comment: The S13X variant, present in an alternate transcript of the PNPLA6 gene, has not been reported previously as a pathogenic variant nor as a benign variant, to our knowledge. This variant is predicted to cause loss of normal protein function either through protein truncation or nonsense-mediated mRNA decay. The S13X variant is not observed at a significant frequency in large population cohorts (Lek et al., 2016). We interpret S13X as a variant of uncertain significance.